The following is an entry in ClinVar:

NM_016580.4(PCDH12):c.816C>A (p.Asp272Glu)

Genes: PCDH12 (protocadherin 12; minus strand), RNF14 (ring finger protein 14; plus strand). Cytogenetic location: 5q31.3.
Variant type: single nucleotide variant.
Coding change: c.816C>A on transcript NM_016580.4 (MANE Select); coding-DNA position 816, C replaced by A.
Protein change: p.Asp272Glu; replaces aspartic acid 272 with glutamic acid.
Molecular consequence: missense variant.
Genome position (GRCh38, 1-based): chr5:141,957,036, G>T on the plus strand (C>A on the coding strand, the complement: PCDH12 is on the minus strand). VCF-style: chr5-141957036-G-T. GRCh37 (hg19) VCF-style: chr5-141336601-G-T.
Other names: short protein forms D272E.
Identifiers: ClinVar variation 2124195 (VCV002124195.4), dbSNP rs2532556920, ClinGen allele CA361590070.

ClinVar aggregate classification (germline): Uncertain significance (1 of 4 stars; one submission).

gnomAD v4.1: 1 of 1,614,196 alleles (0.000062%); no homozygotes.

Submission:

Labcorp Genetics (formerly Invitae), Labcorp
Classification: Uncertain significance. Last evaluated: 2026-01-19. Review status: criteria provided, single submitter. Criteria: Invitae Variant Classification Sherloc (09022015). Collection method: clinical testing. Allele origin: germline.
Comment: This sequence change replaces aspartic acid, which is acidic and polar, with glutamic acid, which is acidic and polar, at codon 272 of the PCDH12 protein (p.Asp272Glu). This variant is not present in population databases (gnomAD no frequency). This variant has not been reported in the literature in individuals affected with PCDH12-related conditions. ClinVar contains an entry for this variant (Variation ID: 2124195). An algorithm developed to predict the effect of missense changes on protein structure and function (PolyPhen-2) suggests that this variant is likely to be disruptive. In summary, the available evidence is currently insufficient to determine the role of this variant in disease. Therefore, it has been classified as a Variant of Uncertain Significance.